The following is an entry in ClinVar:

ClinVar aggregate classification (germline): Uncertain significance. Review status: criteria provided, multiple submitters, no conflicts (2 of 4 stars). 4 submissions from 3 submitters: Uncertain significance (4). Last evaluated 2025-06-18.

Conditions:
Inborn genetic diseases. Identifiers: MedGen C0950123, MeSH D030342.
Familial cutaneous telangiectasia and oropharyngeal predisposition cancer syndrome. Identifiers: Orphanet 313846, MedGen C3281203, MONDO:0013806, OMIM 614564.
Seckel syndrome 1 (SCKL1). Also called: MICROCEPHALIC PRIMORDIAL DWARFISM I. Identifiers: Orphanet 808, MedGen C4551474, MONDO:0008869, OMIM 210600.

Allele frequency attached by ClinVar (database versions not stated): gnomAD exomes below 0.00001 and 0.00002; ExAC 0.00002.
gnomAD v4.1: 25 of 1,614,068 alleles (0.0015%); highest among the groups gnomAD compares: Non-Finnish European, 0.002%; no homozygotes.

Submissions (4):

Ambry Genetics
Classification: Uncertain significance for Inborn genetic diseases. Last evaluated: 2025-06-18. Review status: criteria provided, single submitter. Criteria: Ambry Variant Classification Scheme 2023. Collection method: clinical testing. Allele origin: germline.

Genome-Nilou Lab
Classification: Uncertain significance for Seckel syndrome 1. Last evaluated: 2023-02-08. Review status: criteria provided, single submitter. Criteria: ACMG Guidelines, 2015. Collection method: clinical testing. Allele origin: germline.

Genome-Nilou Lab
Classification: Uncertain significance for Familial cutaneous telangiectasia and oropharyngeal predisposition cancer syndrome. Last evaluated: 2023-02-08. Review status: criteria provided, single submitter. Criteria: ACMG Guidelines, 2015. Collection method: clinical testing. Allele origin: germline.

Labcorp Genetics (formerly Invitae), Labcorp
Classification: Uncertain significance. Last evaluated: 2020-12-27. Review status: criteria provided, single submitter. Criteria: Invitae Variant Classification Sherloc (09022015). Collection method: clinical testing. Allele origin: germline.
Comment: In summary, the available evidence is currently insufficient to determine the role of this variant in disease. Therefore, it has been classified as a Variant of Uncertain Significance. Algorithms developed to predict the effect of missense changes on protein structure and function (SIFT, PolyPhen-2, Align-GVGD) all suggest that this variant is likely to be tolerated, but these predictions have not been confirmed by published functional studies and their clinical significance is uncertain. This variant has not been reported in the literature in individuals with ATR-related conditions. This variant is present in population databases (rs746692662, ExAC 0.003%). This sequence change replaces aspartic acid with valine at codon 381 of the ATR protein (p.Asp381Val). The aspartic acid residue is moderately conserved and there is a large physicochemical difference between aspartic acid and valine.

NM_001184.4(ATR):c.1142A>T (p.Asp381Val)

Gene: ATR (ATR checkpoint kinase; minus strand). Cytogenetic location: 3q23.
Variant type: single nucleotide variant.
Coding change: c.1142A>T on transcript NM_001184.4 (MANE Select); coding-DNA position 1142, A replaced by T.
Protein change: p.Asp381Val; replaces aspartic acid 381 with valine.
Molecular consequence: missense variant.
Genome position (GRCh38, 1-based): chr3:142,562,260, T>A on the plus strand (A>T on the coding strand, the complement: ATR is on the minus strand). VCF-style: chr3-142562260-T-A. GRCh37 (hg19) VCF-style: chr3-142281102-T-A.
Other names: c.1142A>T, p.Asp381Val (NM_001354579.2); short protein forms D381V.
Identifiers: ClinVar variation 1429744 (VCV001429744.11), dbSNP rs746692662, ClinGen allele CA2650674.